The following is an entry in ClinVar:

NM_000038.6(APC):c.7943C>T (p.Ala2648Val)

Gene: APC (APC regulator of Wnt signaling pathway; plus strand). Cytogenetic location: 5q22.2.
Variant type: single nucleotide variant.
Coding change: c.7943C>T on transcript NM_000038.6 (MANE Select); coding-DNA position 7943, C replaced by T.
Protein change: p.Ala2648Val; replaces alanine 2648 with valine.
Molecular consequence: missense variant.
Genome position (GRCh38, 1-based): chr5:112,843,537, C>T. VCF-style: chr5-112843537-C-T. GRCh37 (hg19) VCF-style: chr5-112179234-C-T.
Other names: c.7943C>T, p.Ala2648Val (NM_001127510.3, NM_001354895.2); c.7889C>T, p.Ala2630Val (NM_001127511.3); c.7997C>T, p.Ala2666Val (NM_001354896.2); c.7973C>T, p.Ala2658Val (NM_001354897.2); c.7868C>T, p.Ala2623Val (NM_001354898.2); c.7859C>T, p.Ala2620Val (NM_001354899.2); c.7820C>T, p.Ala2607Val (NM_001354900.2); c.7766C>T, p.Ala2589Val (NM_001354901.2); and 5 more; short protein forms A2488V, A2666V, A2557V, A2589V, A2623V, A2648V, A2365V, A2630V.
Identifiers: ClinVar variation 926511 (VCV000926511.21), dbSNP rs113486158, ClinGen allele CA16038584.

ClinVar aggregate classification (germline): Uncertain significance. Review status: criteria provided, multiple submitters, no conflicts (2 of 4 stars). 4 submissions from 4 submitters: Uncertain significance (4). Last evaluated 2025-11-04.

Conditions:
Hereditary cancer-predisposing syndrome. Also called: Neoplastic Syndromes, Hereditary; Tumor predisposition; Hereditary Cancer Syndrome; Hereditary neoplastic syndrome. Identifiers: Orphanet 140162, MedGen C0027672, MeSH D009386, MONDO:0015356.
Familial adenomatous polyposis 1 (FAP1). Also called: FAMILIAL ADENOMATOUS POLYPOSIS 1, ATTENUATED; POLYPOSIS, ADENOMATOUS INTESTINAL. Identifiers: MedGen C2713442, MONDO:0021056, OMIM 175100. Disease mechanism: loss of function.

Submissions (4):

Labcorp Genetics (formerly Invitae), Labcorp
Classification: Uncertain significance for Familial adenomatous polyposis 1. Last evaluated: 2025-11-04. Review status: criteria provided, single submitter. Criteria: Invitae Variant Classification Sherloc (09022015). Collection method: clinical testing. Allele origin: germline.
Comment: This sequence change replaces alanine, which is neutral and non-polar, with valine, which is neutral and non-polar, at codon 2648 of the APC protein (p.Ala2648Val). This variant is not present in population databases (gnomAD no frequency). This variant has not been reported in the literature in individuals affected with APC-related conditions. ClinVar contains an entry for this variant (Variation ID: 926511). Invitae Evidence Modeling of protein sequence and biophysical properties (such as structural, functional, and spatial information, amino acid conservation, physicochemical variation, residue mobility, and thermodynamic stability) indicates that this missense variant is not expected to disrupt APC protein function with a negative predictive value of 95%. In summary, the available evidence is currently insufficient to determine the role of this variant in disease. Therefore, it has been classified as a Variant of Uncertain Significance.

Ambry Genetics
Classification: Uncertain significance for Hereditary cancer-predisposing syndrome. Last evaluated: 2023-01-25. Review status: criteria provided, single submitter. Criteria: Ambry Variant Classification Scheme 2023. Collection method: clinical testing. Allele origin: germline.
Comment: The p.A2648V variant (also known as c.7943C>T), located in coding exon 15 of the APC gene, results from a C to T substitution at nucleotide position 7943. The alanine at codon 2648 is replaced by valine, an amino acid with similar properties. This amino acid position is well conserved in available vertebrate species. In addition, in silico predictors for this gene do not accurately predict pathogenicity. Since supporting evidence is limited at this time, the clinical significance of this alteration remains unclear.

Color Diagnostics, LLC DBA Color Health
Classification: Uncertain significance for Hereditary cancer-predisposing syndrome. Last evaluated: 2022-05-11. Review status: criteria provided, single submitter. Criteria: ACMG Guidelines, 2015. Collection method: clinical testing. Allele origin: germline.
Comment: This missense variant replaces alanine with valine at codon 2648 of the APC protein. Computational prediction suggests that this variant may not impact protein structure and function (internally defined REVEL score threshold <= 0.5, PMID: 27666373). Splice site prediction tools suggest that this variant may not impact RNA splicing. To our knowledge, functional studies have not been reported for this variant. This variant has not been reported in individuals affected with hereditary cancer in the literature. This variant has not been identified in the general population by the Genome Aggregation Database (gnomAD). The available evidence is insufficient to determine the role of this variant in disease conclusively. Therefore, this variant is classified as a Variant of Uncertain Significance.

GeneDx
Classification: Uncertain significance. Last evaluated: 2019-12-23. Review status: criteria provided, single submitter. Criteria: GeneDx Variant Classification Process June 2021. Collection method: clinical testing. Allele origin: germline. Affected: yes.
Comment: Not observed in large population cohorts (Lek et al., 2016); In silico analysis, which includes protein predictors and evolutionary conservation, supports that this variant does not alter protein structure/function; Has not been previously published as pathogenic or benign to our knowledge